The following is an entry in ClinVar:

NM_001042492.3(NF1):c.1605G>A (p.Gln535=)

Gene: NF1 (neurofibromin 1; plus strand). Cytogenetic location: 17q11.2.
Variant type: single nucleotide variant.
Coding change: c.1605G>A on transcript NM_001042492.3 (MANE Select); coding-DNA position 1605, G replaced by A.
Protein change: p.Gln535=; no amino-acid change (glutamine 535 retained).
Molecular consequence: synonymous variant.
Genome position (GRCh38, 1-based): chr17:31,219,082, G>A. VCF-style: chr17-31219082-G-A. GRCh37 (hg19) VCF-style: chr17-29546100-G-A.
Other names: c.1605G>A, p.Gln535= (NM_000267.4, NM_001128147.3).
Identifiers: ClinVar variation 561860 (VCV000561860.3), dbSNP rs1567843919, ClinGen allele CA499226887.

ClinVar aggregate classification (germline): Conflicting classifications of pathogenicity. Review status: criteria provided, conflicting classifications (1 of 4 stars). 2 submissions from 2 submitters: Uncertain significance (1); Likely benign (1). Last evaluated 2024-10-27.

Conditions:
Neurofibromatosis, type 1 (NF1). Also called: VON RECKLINGHAUSEN DISEASE; NEUROFIBROMATOSIS, TYPE I, SOMATIC; Peripheral type neurofibromatosis; Neurofibromatosis, type I. Identifiers: Orphanet 636, MedGen C0027831, MONDO:0018975, OMIM 162200. Disease mechanism: loss of function.

Submissions (2):

Labcorp Genetics (formerly Invitae), Labcorp
Classification: Likely benign for Neurofibromatosis, type 1. Last evaluated: 2024-10-27. Review status: criteria provided, single submitter. Criteria: Invitae Variant Classification Sherloc (09022015). Collection method: clinical testing. Allele origin: germline.

GeneDx
Classification: Uncertain significance. Last evaluated: 2018-05-24. Review status: criteria provided, single submitter. Criteria: GeneDx Variant Classification (06012015). Collection method: clinical testing. Allele origin: germline. Affected: yes.
Comment: This variant is denoted NF1 c.1605G>A at the DNA level. It is silent at the coding level, preserving a Glutamine at codon 535. In-silico analysis, which includes splice predictors and evolutionary conservation, supports that this variant does not alter protein structure/function. This variant has not, to our knowledge, been published in the literature as a pathogenic or benign germline variant. NF1 c.1605G>A was not observed in large population cohorts (Lek 2016). Based on currently available evidence, it is unclear whether NF1 c.1605G>A is a pathogenic or benign variant. We consider it to be a variant of uncertain significance.